The following is an entry in ClinVar:

NM_001040108.2(MLH3):c.3368A>G (p.Gln1123Arg)

Gene: MLH3 (mutL homolog 3; minus strand). Cytogenetic location: 14q24.3.
Variant type: single nucleotide variant.
Coding change: c.3368A>G on transcript NM_001040108.2 (MANE Select); coding-DNA position 3368, A replaced by G.
Protein change: p.Gln1123Arg; replaces glutamine 1123 with arginine.
Molecular consequence: missense variant.
Genome position (GRCh38, 1-based): chr14:75,042,390, T>C on the plus strand (A>G on the coding strand, the complement: MLH3 is on the minus strand). VCF-style: chr14-75042390-T-C. GRCh37 (hg19) VCF-style: chr14-75509093-T-C.
Other names: c.3368A>G, p.Gln1123Arg (NM_014381.3); short protein forms Q1123R.
Identifiers: ClinVar variation 1730674 (VCV001730674.3), dbSNP rs1233624566, ClinGen allele CA390431718.

ClinVar aggregate classification (germline): Uncertain significance (1 of 4 stars; one submission).

Submission:

Ambry Genetics
Classification: Uncertain significance. Last evaluated: 2024-05-12. Review status: criteria provided, single submitter. Criteria: Ambry Variant Classification Scheme 2023. Collection method: clinical testing. Allele origin: germline.
Comment: The p.Q1123R variant (also known as c.3368A>G), located in coding exon 2 of the MLH3 gene, results from an A to G substitution at nucleotide position 3368. The glutamine at codon 1123 is replaced by arginine, an amino acid with highly similar properties. This amino acid position is conserved. In addition, this alteration is predicted to be tolerated by in silico analysis. Since supporting evidence is limited at this time, the clinical significance of this alteration remains unclear.